The following is an entry in ClinVar:

NM_018723.4(RBFOX1):c.1003C>T (p.Arg335Ter)

Genes: RBFOX1 (RNA binding fox-1 homolog 1; plus strand), LOC126862279 (MED14-independent group 3 enhancer GRCh37_chr16:7758954-7760153; plus strand). Cytogenetic location: 16p13.3.
Variant type: single nucleotide variant.
Coding change: c.1003C>T on transcript NM_018723.4 (MANE Select); coding-DNA position 1003, C replaced by T.
Protein change: p.Arg335Ter; replaces arginine 335 with a stop codon.
Molecular consequence: nonsense. On other transcripts: synonymous variant (2).
Genome position (GRCh38, 1-based): chr16:7,709,063, C>T. VCF-style: chr16-7709063-C-T. GRCh37 (hg19) VCF-style: chr16-7759065-C-T.
Other names: c.922C>T, p.Arg308Ter (NM_001142333.2); c.1003C>T, p.Arg335Ter (NM_001142334.2); c.1132C>T, p.Arg378Ter (NM_001308117.1); c.1056C>T, p.Asp352= (NM_001364800.2); c.1066C>T, p.Arg356Ter (NM_145891.3, NM_145892.3); c.1119C>T, p.Asp373= (NM_145893.3); short protein forms R356*, R308*, R335*, R378*.
Identifiers: ClinVar variation 947582 (VCV000947582.8), dbSNP rs1312108862, ClinGen allele CA394795470.

ClinVar aggregate classification (germline): Uncertain significance (1 of 4 stars; one submission).

Conditions:
Idiopathic generalized epilepsy. Also called: EIG; Generalised epilepsy. Identifiers: MedGen C0270850, MONDO:0005579, OMIM 600669.

gnomAD v4.1: 2 of 1,613,336 alleles (0.00012%); highest among the groups gnomAD compares: Non-Finnish European, 0.00017%; no homozygotes.

Submission:

Labcorp Genetics (formerly Invitae), Labcorp
Classification: Uncertain significance for Idiopathic generalized epilepsy. Last evaluated: 2025-08-09. Review status: criteria provided, single submitter. Criteria: Invitae Variant Classification Sherloc (09022015). Collection method: clinical testing. Allele origin: germline.
Comment: This sequence change creates a premature translational stop signal (p.Arg356*) in the RBFOX1 gene. It is expected to result in an absent or disrupted protein product. However, the current clinical and genetic evidence is not sufficient to establish whether loss-of-function variants in RBFOX1 cause disease. This variant is not present in population databases (gnomAD no frequency). This variant has not been reported in the literature in individuals affected with RBFOX1-related conditions. ClinVar contains an entry for this variant (Variation ID: 947582). In summary, the available evidence is currently insufficient to determine the role of this variant in disease. Therefore, it has been classified as a Variant of Uncertain Significance.